The following is an entry in ClinVar:

NM_033109.5(PNPT1):c.2261C>T (p.Ser754Leu)

Gene: PNPT1 (polyribonucleotide nucleotidyltransferase 1; minus strand). Cytogenetic location: 2p16.1.
Variant type: single nucleotide variant.
Coding change: c.2261C>T on transcript NM_033109.5 (MANE Select); coding-DNA position 2261, C replaced by T.
Protein change: p.Ser754Leu; replaces serine 754 with leucine.
Molecular consequence: missense variant.
Genome position (GRCh38, 1-based): chr2:55,636,328, G>A on the plus strand (C>T on the coding strand, the complement: PNPT1 is on the minus strand). VCF-style: chr2-55636328-G-A. GRCh37 (hg19) VCF-style: chr2-55863463-G-A.
Other names: short protein forms S754L.
Identifiers: ClinVar variation 1316014 (VCV001316014.7), dbSNP rs756689143, ClinGen allele CA1667731.

ClinVar aggregate classification (germline): Uncertain significance. Review status: criteria provided, multiple submitters, no conflicts (2 of 4 stars). 2 submissions from 2 submitters: Uncertain significance (2). Last evaluated 2025-12-03.

Allele frequency attached by ClinVar (database versions not stated): gnomAD 0.00001; TOPMed 0.00001; gnomAD exomes 0.00006; ExAC 0.00009.
gnomAD v4.1: 36 of 1,613,856 alleles (0.0022%); highest among the groups gnomAD compares: South Asian, 0.021%; no homozygotes.

Submissions (2):

Labcorp Genetics (formerly Invitae), Labcorp
Classification: Uncertain significance. Last evaluated: 2025-12-03. Review status: criteria provided, single submitter. Criteria: Invitae Variant Classification Sherloc (09022015). Collection method: clinical testing. Allele origin: germline.
Comment: This sequence change replaces serine, which is neutral and polar, with leucine, which is neutral and non-polar, at codon 754 of the PNPT1 protein (p.Ser754Leu). This variant is present in population databases (rs756689143, gnomAD 0.03%). This variant has not been reported in the literature in individuals affected with PNPT1-related conditions. ClinVar contains an entry for this variant (Variation ID: 1316014). Invitae Evidence Modeling of protein sequence and biophysical properties (such as structural, functional, and spatial information, amino acid conservation, physicochemical variation, residue mobility, and thermodynamic stability) indicates that this missense variant is not expected to disrupt PNPT1 protein function with a negative predictive value of 80%. In summary, the available evidence is currently insufficient to determine the role of this variant in disease. Therefore, it has been classified as a Variant of Uncertain Significance.

GeneDx
Classification: Uncertain significance. Last evaluated: 2023-10-09. Review status: criteria provided, single submitter. Criteria: GeneDx Variant Classification Process June 2021. Collection method: clinical testing. Allele origin: germline. Affected: yes.
Comment: In silico analysis supports that this missense variant has a deleterious effect on protein structure/function; Has not been previously published as pathogenic or benign to our knowledge